The following is an entry in ClinVar:

NM_002470.4(MYH3):c.5231A>G (p.Asp1744Gly)

Gene: MYH3 (myosin heavy chain 3; minus strand). Cytogenetic location: 17p13.1.
Variant type: single nucleotide variant.
Coding change: c.5231A>G on transcript NM_002470.4 (MANE Select); coding-DNA position 5231, A replaced by G.
Protein change: p.Asp1744Gly; replaces aspartic acid 1744 with glycine.
Molecular consequence: missense variant.
Genome position (GRCh38, 1-based): chr17:10,631,666, T>C on the plus strand (A>G on the coding strand, the complement: MYH3 is on the minus strand). VCF-style: chr17-10631666-T-C. GRCh37 (hg19) VCF-style: chr17-10534983-T-C.
Other names: short protein forms D1744G.
Identifiers: ClinVar variation 888128 (VCV000888128.8), dbSNP rs200191762, ClinGen allele CA8392009.

ClinVar aggregate classification (germline): Conflicting classifications of pathogenicity. Review status: criteria provided, conflicting classifications (1 of 4 stars). 3 submissions from 2 submitters: Uncertain significance (1); Benign (1); Likely benign (1). Last evaluated 2025-11-01.

Conditions:
Distal arthrogryposis type 2B1 (DA2B1). Also called: Arthrogryposis multiplex congenita distal type II with craniofacial abnormalities. Identifiers: Orphanet 1147, MedGen C5193014, MONDO:0020820, OMIM 601680.
Freeman-Sheldon syndrome (DA2A). Also called: WHISTLING FACE-WINDMILL VANE HAND SYNDROME; CRANIOCARPOTARSAL DYSPLASIA; CRANIOCARPOTARSAL DYSTROPHY; Arthrogryposis, distal, type 2A (Freeman-Sheldon). Identifiers: Orphanet 2053, MedGen C0265224, MONDO:0008675, OMIM 193700.

Allele frequency attached by ClinVar (database versions not stated): gnomAD exomes 0.00010 and 0.00017; ExAC 0.00012; TOPMed 0.00012; gnomAD 0.00013 and 0.00014.
gnomAD v4.1: 266 of 1,614,052 alleles (0.016%); highest among the groups gnomAD compares: Non-Finnish European, 0.021%; no homozygotes.

Submissions (3):

Labcorp Genetics (formerly Invitae), Labcorp
Classification: Likely benign. Last evaluated: 2025-11-01. Review status: criteria provided, single submitter. Criteria: Invitae Variant Classification Sherloc (09022015). Collection method: clinical testing. Allele origin: germline.

Illumina Laboratory Services, Illumina
Classification: Benign for Freeman-Sheldon syndrome. Last evaluated: 2018-01-13. Review status: criteria provided, single submitter. Criteria: ICSL Variant Classification Criteria 13 December 2019. Collection method: clinical testing. Allele origin: germline.
Comment: This variant was observed in the ICSL laboratory as part of a predisposition screen in an ostensibly healthy population. It had not been previously curated by ICSL or reported in the Human Gene Mutation Database (HGMD: prior to June 1st, 2018), and was therefore a candidate for classification through an automated scoring system. Utilizing variant allele frequency, disease prevalence and penetrance estimates, and inheritance mode, an automated score was calculated to assess if this variant is too frequent to cause the disease. Based on the score and internal cut-off values, a variant classified as benign is not then subjected to further curation. The score for this variant resulted in a classification of benign for this disease.

Illumina Laboratory Services, Illumina
Classification: Uncertain significance for Distal arthrogryposis type 2B1. Last evaluated: 2018-01-13. Review status: criteria provided, single submitter. Criteria: ICSL Variant Classification Criteria 13 December 2019. Collection method: clinical testing. Allele origin: germline.